The following is an entry in ClinVar:

NM_001378454.1(ALMS1):c.5074C>T (p.Pro1692Ser)

Gene: ALMS1 (ALMS1 centrosome and basal body associated protein; plus strand). Cytogenetic location: 2p13.1.
Variant type: single nucleotide variant.
Coding change: c.5074C>T on transcript NM_001378454.1 (MANE Select); coding-DNA position 5074, C replaced by T.
Protein change: p.Pro1692Ser; replaces proline 1692 with serine.
Molecular consequence: missense variant.
Genome position (GRCh38, 1-based): chr2:73,451,601, C>T. VCF-style: chr2-73451601-C-T. GRCh37 (hg19) VCF-style: chr2-73678728-C-T.
Other names: c.5077C>T, p.Pro1693Ser (NM_015120.4); short protein forms P1693S, P1692S.
Identifiers: ClinVar variation 576922 (VCV000576922.10), dbSNP rs764039432, ClinGen allele CA1713818.
Genomic context (GRCh38, chr2:73,451,601, plus strand): 5'-GTCATTTTCTACCAGCAGACCCTATCAGACAGTCATTTACCTGAAGAAGCTCTGAAAGTT[C>T]CACCTGTTCCTGGACCAGATGCCCAGAAGACTGAGACACCATCAGTATCCTCTAGTTTAT-3'
Protein context (NP_001365383.1, residues 1682-1702): SHLPEEALKV[Pro1692Ser]PVPGPDAQKT

ClinVar aggregate classification (germline): Conflicting classifications of pathogenicity. Review status: criteria provided, conflicting classifications (1 of 4 stars). 4 submissions from 4 submitters: Uncertain significance (2); Likely benign (1). 1 of the submissions does not count toward it. Last evaluated 2025-11-25.

Conditions:
Alstrom syndrome (ALMS). Identifiers: Orphanet 64, MedGen C0268425, MONDO:0008763, OMIM 203800.
Cardiovascular phenotype. Identifiers: MedGen CN230736.

Allele frequency attached by ClinVar (database versions not stated): gnomAD 0.00001; gnomAD exomes 0.00002 and 0.00005; ExAC 0.00003.
gnomAD v4.1: 30 of 1,613,770 alleles (0.0019%); highest among the groups gnomAD compares: South Asian, 0.023%; no homozygotes.

Submissions (4):

Women's Health and Genetics/Laboratory Corporation of America, LabCorp
Classification: Uncertain significance. Last evaluated: 2025-11-25. Review status: criteria provided, single submitter. Criteria: LabCorp Variant Classification Summary - May 2015. Collection method: clinical testing. Allele origin: germline.
Comment: Variant summary: ALMS1 c.5071C>T (p.Pro1691Ser) (also known as c.5077C>T; p.Pro1693Ser in RefSeq) results in a non-conservative amino acid change in the encoded protein sequence. Algorithms developed to predict the effect of missense changes on protein structure and function are either unavailable or do not agree on the potential impact of this missense change. The variant allele was found at a frequency of 4.8e-05 in 249254 control chromosomes. This frequency is not significantly higher than estimated for disease-causing variants in ALMS1, allowing no conclusion about variant significance. c.5071C>T has been observed in individual(s) affected with Alstrom syndrome (Marshall_2015). These report(s) do not provide unequivocal conclusions about association of the variant with Alstrom syndrome. To our knowledge, no experimental evidence demonstrating an impact on protein function has been reported. The following publication has been ascertained in the context of this evaluation (PMID: 25846608). ClinVar contains an entry for this variant (Variation ID: 576922). Based on the evidence outlined above, the variant was classified as uncertain significance.

Ambry Genetics
Classification: Likely benign for Cardiovascular phenotype. Last evaluated: 2025-01-10. Review status: criteria provided, single submitter. Criteria: Ambry Variant Classification Scheme 2023. Collection method: clinical testing. Allele origin: germline.

Labcorp Genetics (formerly Invitae), Labcorp
Classification: Uncertain significance for Alstrom syndrome. Last evaluated: 2022-08-09. Review status: criteria provided, single submitter. Criteria: Invitae Variant Classification Sherloc (09022015). Collection method: clinical testing. Allele origin: germline.
Comment: This sequence change replaces proline, which is neutral and non-polar, with serine, which is neutral and polar, at codon 1693 of the ALMS1 protein (p.Pro1693Ser). This variant is present in population databases (rs764039432, gnomAD 0.04%). This variant has not been reported in the literature in individuals affected with ALMS1-related conditions. ClinVar contains an entry for this variant (Variation ID: 576922). Algorithms developed to predict the effect of missense changes on protein structure and function output the following: SIFT: "Not Available"; PolyPhen-2: "Not Available"; Align-GVGD: "Not Available". The serine amino acid residue is found in multiple mammalian species, which suggests that this missense change does not adversely affect protein function. In summary, the available evidence is currently insufficient to determine the role of this variant in disease. Therefore, it has been classified as a Variant of Uncertain Significance.

Natera, Inc.
Classification: Uncertain significance for Alstrom syndrome. Last evaluated: 2020-10-29. Review status: no assertion criteria provided. Collection method: clinical testing. Allele origin: germline. Not counted in ClinVar's aggregate classification.

Literature cited by the submitters: PubMed 25846608 (cited by Women's Health and Genetics/Laboratory Corporation of America, LabCorp).